The following is an entry in ClinVar:

NM_000091.5(COL4A3):c.4100G>C (p.Gly1367Ala)

Genes: COL4A3 (collagen type IV alpha 3 chain; plus strand), MFF-DT (MFF divergent transcript; minus strand). Cytogenetic location: 2q36.3.
Variant type: single nucleotide variant.
Coding change: c.4100G>C on transcript NM_000091.5 (MANE Select); coding-DNA position 4100, G replaced by C.
Protein change: p.Gly1367Ala; replaces glycine 1367 with alanine.
Molecular consequence: missense variant.
Genome position (GRCh38, 1-based): chr2:227,304,091, G>C. VCF-style: chr2-227304091-G-C. GRCh37 (hg19) VCF-style: chr2-228168807-G-C.
Other names: short protein forms G1367A.
Identifiers: ClinVar variation 334781 (VCV000334781.10), dbSNP rs886055742, ClinGen allele CA10614687.
Genomic context (GRCh38, chr2:227,304,091, plus strand): 5'-ACCCTGGCACACTTAAGATTATCTCCCTTCCAGGAAGCCCAGGGCCACCTGGCACACCTG[G>C]AGAACCAGGGATGCAGGGAGAACCTGGGCCACCAGGGCCACCTGGAAACCTAGGTGTGGG-3'
Protein context (NP_000082.2, residues 1357-1377): PGSPGPPGTP[Gly1367Ala]EPGMQGEPGP

ClinVar aggregate classification (germline): Conflicting classifications of pathogenicity. Review status: criteria provided, conflicting classifications (1 of 4 stars). 4 submissions from 4 submitters: Likely pathogenic (3); Uncertain significance (1). Last evaluated 2026-10-23.

Conditions:
Alport syndrome. Also called: Hemorrhagic familial nephritis; Hemorrhagic hereditary nephritis; Congenital hereditary hematuria. Identifiers: Orphanet 63, MedGen C1567741, MONDO:0018965.
Autosomal dominant Alport syndrome (ATS3A). Also called: Alport syndrome dominant type; Renal failure and sensorineural hearing loss; ALPORT SYNDROME 3A, AUTOSOMAL DOMINANT. Identifiers: Orphanet 63, Orphanet 88918, MedGen C5882663, MONDO:0007086, OMIM 104200.
Hematuria, benign familial, 2 (BFH2). Identifiers: MedGen C5830421, MONDO:0958186, OMIM 620320.
Alport syndrome 3b, autosomal recessive. Identifiers: MedGen C5882699, MONDO:0957811, OMIM 620536.

Allele frequency attached by ClinVar (database versions not stated): gnomAD 0.00001; gnomAD exomes 0.00001; TOPMed below 0.00001.
gnomAD v4.1: 12 of 1,614,076 alleles (0.00074%); highest among the groups gnomAD compares: African/African-American, 0.0013%; no homozygotes.

Submissions (4):

GeneDx
Classification: Likely pathogenic. Last evaluated: 2026-10-23. Review status: criteria provided, single submitter. Criteria: GeneDx Variant Classification Process June 2021. Collection method: clinical testing. Allele origin: germline.
Comment: Affects a glycine residue in a Gly-X-Y motif in the triple helical region of the COL4A3 gene, where the majority of pathogenic missense variants occur, and is predicted to disrupt normal protein folding and function (HGMD; PMID: 10752524); Not observed at significant frequency in large population cohorts (gnomAD); In silico analysis supports that this missense variant has a deleterious effect on protein structure/function; Has not been previously published as pathogenic or benign to our knowledge; This variant is associated with the following publications: (PMID: 10752524)

Natera, Inc.
Classification: Likely pathogenic for Alport syndrome. Last evaluated: 2025-08-22. Review status: criteria provided, single submitter. Criteria: Natera Variant Classification Schema (03/2026). Collection method: clinical testing. Allele origin: germline.
Comment: The c.4100G>C variant in COL4A3 is a missense variant predicted to cause substitution of glycine to alanine at amino acid 1367. This variant is rare in the general population with a frequency below the threshold expected for the associated phenotype(s). This variant is located in a functionally critical region of the protein. Computational prediction algorithms indicate this variant is likely to affect gene or protein function. Given the available evidence, this variant is classified as Likely Pathogenic.

Fulgent Genetics
Classification: Likely pathogenic for Autosomal dominant Alport syndrome; Hematuria, benign familial, 2; Alport syndrome 3b, autosomal recessive. Last evaluated: 2024-04-23. Review status: criteria provided, single submitter. Criteria: ACMG Guidelines, 2015. Collection method: clinical testing. Allele origin: germline.

Illumina Laboratory Services, Illumina
Classification: Uncertain significance for Alport syndrome. Last evaluated: 2018-01-13. Review status: criteria provided, single submitter. Criteria: ICSL Variant Classification Criteria 13 December 2019. Collection method: clinical testing. Allele origin: germline.